The following is an entry in ClinVar:

NM_000196.4(HSD11B2):c.664+14C>T

Gene: HSD11B2 (hydroxysteroid 11-beta dehydrogenase 2; plus strand). Cytogenetic location: 16q22.1.
Variant type: single nucleotide variant.
Coding change: c.664+14C>T on transcript NM_000196.4 (MANE Select); 14 bases into the intron after coding-DNA position 664, C replaced by T.
Molecular consequence: intron variant.
Genome position (GRCh38, 1-based): chr16:67,436,156, C>T. VCF-style: chr16-67436156-C-T. GRCh37 (hg19) VCF-style: chr16-67470059-C-T.
Other names: IVS3DS, C-T, +14.
Identifiers: ClinVar variation 31130 (VCV000031130.5), dbSNP rs376023420, ClinGen allele CA213041.

ClinVar aggregate classification (germline): Uncertain significance. Review status: criteria provided, multiple submitters, no conflicts (2 of 4 stars). 3 submissions from 3 submitters: Uncertain significance (2). 1 of the submissions does not count toward it. Last evaluated 2025-02-19.

Conditions:
Apparent mineralocorticoid excess (AME). Also called: CORTISOL 11-BETA-KETOREDUCTASE DEFICIENCY. Identifiers: Orphanet 320, MedGen C0342488, MONDO:0009025, OMIM 218030.

Allele frequency attached by ClinVar (database versions not stated): TOPMed 0.00007; ESP Exome Variant Server 0.00008.

Submissions (3):

GeneDx
Classification: Uncertain significance. Last evaluated: 2025-02-19. Review status: criteria provided, single submitter. Criteria: GeneDx Variant Classification Process June 2021. Collection method: clinical testing. Allele origin: germline. Affected: yes.
Comment: In silico analysis indicates that this variant does not alter splicing; Nucleotide is not conserved across species and the substitution has no predicted effect on splicing; RNA studies demonstrate that this variant causes a skipping of exon 4 (PMID: 7670488); This variant is associated with the following publications: (PMID: 34426522, 31589614, 12788846, 7670488)

Labcorp Genetics (formerly Invitae), Labcorp
Classification: Uncertain significance. Last evaluated: 2024-12-16. Review status: criteria provided, single submitter. Criteria: Invitae Variant Classification Sherloc (09022015). Collection method: clinical testing. Allele origin: germline.
Comment: This sequence change falls in intron 3 of the HSD11B2 gene. It does not directly change the encoded amino acid sequence of the HSD11B2 protein. This variant is present in population databases (rs376023420, gnomAD 0.05%). This variant has been observed in individual(s) with apparent mineralocorticoid excess (PMID: 7670488, 10523339, 12788846). In at least one individual the data is consistent with being in trans (on the opposite chromosome) from a pathogenic variant. This variant is also known as intron 3 nt 14 C>T. ClinVar contains an entry for this variant (Variation ID: 31130). Algorithms developed to predict the effect of sequence changes on RNA splicing suggest that this variant is not likely to affect RNA splicing. In summary, the available evidence is currently insufficient to determine the role of this variant in disease. Therefore, it has been classified as a Variant of Uncertain Significance.

OMIM
Classification: Pathogenic for APPARENT MINERALOCORTICOID EXCESS. Last evaluated: 1995-08-01. Review status: no assertion criteria provided. Collection method: literature only. Allele origin: germline. Not counted in ClinVar's aggregate classification.

Literature cited by the submitters: PubMed 7670488 (cited by Labcorp Genetics (formerly Invitae), Labcorp and OMIM); PubMed 10523339 (cited by Labcorp Genetics (formerly Invitae), Labcorp); PubMed 12788846 (cited by Labcorp Genetics (formerly Invitae), Labcorp).